The following is an entry in ClinVar:

NM_001105206.3(LAMA4):c.4287+211G>A

Gene: LAMA4 (laminin subunit alpha 4; minus strand). Cytogenetic location: 6q21.
Variant type: single nucleotide variant.
Coding change: c.4287+211G>A on transcript NM_001105206.3 (MANE Select); 211 bases into the intron after coding-DNA position 4287, G replaced by A.
Molecular consequence: intron variant.
Genome position (GRCh38, 1-based): chr6:112,128,711, C>T on the plus strand (G>A on the coding strand, the complement: LAMA4 is on the minus strand). VCF-style: chr6-112128711-C-T. GRCh37 (hg19) VCF-style: chr6-112449913-C-T.
Other names: NC_000006.11:g.112449913C>T; c.4266+211G>A (NM_002290.5, NM_001105207.3).
Identifiers: ClinVar variation 672709 (VCV000672709.2), dbSNP rs58881810, ClinGen allele CA144885801.

ClinVar aggregate classification (germline): Benign (1 of 4 stars; one submission).

Allele frequency attached by ClinVar (database versions not stated): gnomAD 0.07079 and 0.07616; 1000 Genomes Project 0.07428; TOPMed 0.08028.

Submissions (3):

GeneDx
Classification: Benign. Last evaluated: 2018-06-19. Review status: criteria provided, single submitter. Criteria: GeneDx Variant Classification (06012015). Collection method: clinical testing. Allele origin: germline. Affected: yes.
Comment: This variant is considered likely benign or benign based on one or more of the following criteria: it is a conservative change, it occurs at a poorly conserved position in the protein, it is predicted to be benign by multiple in silico algorithms, and/or has population frequency not consistent with disease.

Dr. Peter K. Rogan Lab, Western University
No classification provided (evidence only). Condition: Ovarian serous cystadenocarcinoma. Review status: no classification provided. Collection method: in vitro. Allele origin: not applicable. Functional consequence: retained intron. Not counted in ClinVar's aggregate classification.

Dr. Peter K. Rogan Lab, Western University
No classification provided (evidence only). Condition: Ovarian serous cystadenocarcinoma. Review status: no classification provided. Collection method: in vitro. Allele origin: not applicable. Functional consequence: retained intron. Not counted in ClinVar's aggregate classification.